The following is an entry in ClinVar:

NM_021930.6(RINT1):c.2300T>C (p.Val767Ala)

Genes: EFCAB10 (EF-hand calcium binding domain 10; minus strand), RINT1 (RAD50 interactor 1; plus strand). Cytogenetic location: 7q22.3.
Variant type: single nucleotide variant.
Coding change: c.2300T>C on transcript NM_021930.6 (MANE Select); coding-DNA position 2300, T replaced by C.
Protein change: p.Val767Ala; replaces valine 767 with alanine.
Molecular consequence: missense variant. On other transcripts: 3 prime UTR variant (2), non-coding transcript variant (1), intron variant (3).
Genome position (GRCh38, 1-based): chr7:105,567,232, T>C. VCF-style: chr7-105567232-T-C. GRCh37 (hg19) VCF-style: chr7-105207679-T-C.
Other names: c.*222A>G (NM_001355527.2, NM_001355529.2); c.2066T>C, p.Val689Ala (NM_001346599.2); c.1277T>C, p.Val426Ala (NM_001346600.2, NM_001346603.2); c.1376T>C, p.Val459Ala (NM_001346601.2); c.360-1785A>G (NM_001355531.2); c.383+235A>G (NM_001355526.2, NM_001355530.2); short protein forms V426A, V689A, V767A, V459A.
Identifiers: ClinVar variation 1371368 (VCV001371368.6), dbSNP rs1791803926, ClinGen allele CA368815588.

ClinVar aggregate classification (germline): Uncertain significance (1 of 4 stars; one submission).

Allele frequency attached by ClinVar (database versions not stated): gnomAD exomes below 0.00001; gnomAD 0.00001.
gnomAD v4.1: 2 of 1,613,612 alleles (0.00012%); highest among the groups gnomAD compares: Admixed American, 0.0017%; no homozygotes.

Submission:

Labcorp Genetics (formerly Invitae), Labcorp
Classification: Uncertain significance. Last evaluated: 2021-06-24. Review status: criteria provided, single submitter. Criteria: Invitae Variant Classification Sherloc (09022015). Collection method: clinical testing. Allele origin: germline.
Comment: This sequence change replaces valine with alanine at codon 767 of the RINT1 protein (p.Val767Ala). The valine residue is moderately conserved and there is a small physicochemical difference between valine and alanine. This variant is not present in population databases (ExAC no frequency). This variant has been observed in individual(s) with abnormal hematological and other features, in the homozygous state (PMID: 31130284). Algorithms developed to predict the effect of missense changes on protein structure and function are either unavailable or do not agree on the potential impact of this missense change (SIFT: "Deleterious"; PolyPhen-2: "Benign"; Align-GVGD: "Class C0"). In summary, the available evidence is currently insufficient to determine the role of this variant in disease. Therefore, it has been classified as a Variant of Uncertain Significance.

Literature cited by the submitters: PubMed 31130284.